The following is an entry in ClinVar:

NM_001267550.2(TTN):c.10241_10247del (p.Tyr3414fs)

Gene: TTN (titin; minus strand). Cytogenetic location: 2q31.2.
Variant type: Deletion.
Coding change: c.10241_10247del on transcript NM_001267550.2 (MANE Select); coding-DNA positions 10241 to 10247, 7 bases deleted (ACACGTT; older notation c.10241_10247delACACGTT).
Protein change: p.Tyr3414fs; shifts the reading frame from tyrosine 3414.
Molecular consequence: frameshift variant.
Genome position (GRCh38, 1-based): chr2:178,759,040-178,759,046, AACGTGT deleted on the plus strand (ACACGTT on the coding strand, the reverse complement: TTN is on the minus strand); deleting any 7 consecutive bases within chr2:178,759,040-178,759,048 gives the same sequence; the c. name uses the placement nearest the transcript's 3' end. VCF-style (leftmost placement, unchanged base first): chr2-178759039-AAACGTGT-A. GRCh37 (hg19) VCF-style: chr2-179623766-AAACGTGT-A.
Other names: c.10241_10247delACACGTT (NM_133378.4); c.10241_10247del, p.Tyr3414fs (NM_001256850.1, NM_133378.4, NM_133379.5); c.10103_10109del, p.Tyr3368fs (NM_003319.4, NM_133432.3, NM_133437.4); c.10241_10247del (NM_001267550.1); short protein forms Y3414fs, Y3368fs.
Identifiers: ClinVar variation 228298 (VCV000228298.6), dbSNP rs876657663, ClinGen allele CA10576569.
Genomic context (GRCh38, chr2:178,759,039, plus strand): 5'-TTTACCTTCCAGACTCAGGTTGGCTGTGCTTGATACTTGGCCTACAGCATTACTAGCAAC[AAACGTGT>A]AAGTTCCTTCATCTTCTGGATAAGCTTCGGCAATTTCCAGTTGATAAGTGTCTTCAAATT-3'

ClinVar aggregate classification (germline): Likely pathogenic. Review status: criteria provided, multiple submitters, no conflicts (2 of 4 stars). 2 submissions from 2 submitters: Likely pathogenic (2). Last evaluated 2024-08-25.

Conditions:
Primary dilated cardiomyopathy (DCM). Also called: Dilated Cardiomyopathy. Identifiers: Orphanet 217604, MedGen C0007193, MeSH D002311, MONDO:0005021, HP:0001644. Inheritance: Various modes of inheritance.

Submissions (2):

GeneDx
Classification: Likely pathogenic. Last evaluated: 2024-08-25. Review status: criteria provided, single submitter. Criteria: GeneDx Variant Classification Process June 2021. Collection method: clinical testing. Allele origin: germline. Affected: yes.
Comment: Located in a region of TTN within the I-band in which the majority of loss of function variants are significantly associated with autosomal dominant titinopathies (PMID: 27625338, 27869827); Reported in association with DCM, although patient-specific details were not provided (PMID: 37652022); Not observed at significant frequency in large population cohorts (gnomAD); This variant is associated with the following publications: (PMID: 27625338, 27869827, 37652022)

Laboratory for Molecular Medicine, Mass General Brigham Personalized Medicine
Classification: Likely pathogenic for Primary dilated cardiomyopathy. Last evaluated: 2017-04-26. Review status: criteria provided, single submitter. Criteria: LMM Criteria. Collection method: clinical testing. Allele origin: germline. Inheritance: Autosomal dominant inheritance. Observed: 2 variant alleles.
Comment: The p.Tyr3414fs variant in TTN has not been previously reported in individuals w ith cardiomyopathy or in large population studies, though the ability of these s tudies to accurately detect deletions may be limited. This variant is predicted to cause a frameshift, which alters the protein?s amino acid sequence beginning at position 3414 and leads to a premature termination codon 7 amino acids downst ream. This alteration is then predicted to lead to a truncated or absent protein . Frameshift and other truncating variants in TTN are strongly associated with D CM if they are located in the exons encoding for the A-band (Herman 2012, Pugh 2 014) or are located in an exon that is highly expressed in the heart (Roberts 20 15). The p.Tyr3414fs variant is located in the I-band in the highly expressed ex on 44. In summary, although additional studies are required to fully establish i ts clinical significance, the p.Tyr3414fs variant is likely pathogenic.